The following is an entry in ClinVar:

NM_206933.4(USH2A):c.10684G>T (p.Glu3562Ter)

Gene: USH2A (usherin; minus strand). Cytogenetic location: 1q41.
Variant type: single nucleotide variant.
Coding change: c.10684G>T on transcript NM_206933.4 (MANE Select); coding-DNA position 10684, G replaced by T.
Protein change: p.Glu3562Ter; replaces glutamic acid 3562 with a stop codon.
Molecular consequence: nonsense.
Genome position (GRCh38, 1-based): chr1:215,782,098, C>A on the plus strand (G>T on the coding strand, the complement: USH2A is on the minus strand). VCF-style: chr1-215782098-C-A. GRCh37 (hg19) VCF-style: chr1-215955440-C-A.
Other names: c.10684G>T (NM_206933.3); short protein forms E3562*.
Identifiers: ClinVar variation 430065 (VCV000430065.17), dbSNP rs749702843, ClinGen allele CA1393958.

ClinVar aggregate classification (germline): Pathogenic. Review status: criteria provided, multiple submitters, no conflicts (2 of 4 stars). 7 submissions from 7 submitters: Pathogenic (7). Last evaluated 2025-09-29.

Conditions:
USH2A-related disorder. Also called: USH2A-related condition; USH2A-related disorders. Identifiers: MedGen CN239332.
Retinitis pigmentosa 39 (RP39). Identifiers: Orphanet 791, MedGen C3151138, MONDO:0013436, OMIM 613809.
Usher syndrome type 2A. Also called: RETINAL DISEASE IN USHER SYNDROME TYPE IIA, MODIFIER OF; USHER SYNDROME, TYPE IIA. Identifiers: Orphanet 231178, Orphanet 886, MedGen C1848634, MONDO:0010169, OMIM 276901.

Allele frequency attached by ClinVar (database versions not stated): gnomAD exomes 0.00001 and 0.00003; ExAC 0.00004.
gnomAD v4.1: 8 of 1,613,950 alleles (0.0005%); highest among the groups gnomAD compares: Non-Finnish European, 0.00068%; no homozygotes.

Submissions (7):

Labcorp Genetics (formerly Invitae), Labcorp
Classification: Pathogenic. Last evaluated: 2025-09-29. Review status: criteria provided, single submitter. Criteria: Invitae Variant Classification Sherloc (09022015). Collection method: clinical testing. Allele origin: germline.
Comment: This sequence change creates a premature translational stop signal (p.Glu3562*) in the USH2A gene. It is expected to result in an absent or disrupted protein product. Loss-of-function variants in USH2A are known to be pathogenic (PMID: 10729113, 10909849, 20507924, 25649381). This variant is present in population databases (rs749702843, gnomAD 0.006%). This premature translational stop signal has been observed in individual(s) with Usher syndrome (PMID: 18273898, 21569298). ClinVar contains an entry for this variant (Variation ID: 430065). For these reasons, this variant has been classified as Pathogenic.

Natera, Inc.
Classification: Pathogenic for Usher syndrome type 2A. Last evaluated: 2025-09-29. Review status: criteria provided, single submitter. Criteria: Natera Variant Classification Schema (03/2026). Collection method: clinical testing. Allele origin: germline.
Comment: The c.10684G>T variant in USH2A is a nonsense variant predicted to introduce a stop codon at amino acid 3562. This variant is expected to result in nonsense mediated decay, truncation, or a dysfunctional protein product. This variant is rare in the general population with a frequency below the threshold expected for the associated phenotype(s). This variant has been observed in one or more individuals affected with the associated recessive disease, as either homozygous or compound heterozygous with a second variant (PMID: 27957503). Given the available evidence, this variant is classified as Pathogenic.

Genome-Nilou Lab
Classification: Pathogenic for Usher syndrome type 2A. Last evaluated: 2023-11-04. Review status: criteria provided, single submitter. Criteria: ACMG Guidelines, 2015. Collection method: clinical testing. Allele origin: germline. Affected: no.

Blueprint Genetics
Classification: Pathogenic for USH2A-related disorders. Last evaluated: 2023-07-14. Review status: criteria provided, single submitter. Criteria: ACMG Guidelines, 2015. Collection method: clinical testing. Allele origin: germline. Affected: yes. Observed: 5 variant alleles.

Baylor Genetics
Classification: Pathogenic for Retinitis pigmentosa 39. Last evaluated: 2022-05-27. Review status: criteria provided, single submitter. Criteria: ACMG Guidelines, 2015. Collection method: clinical testing. Allele origin: unknown.

GeneDx
Classification: Pathogenic. Last evaluated: 2021-05-05. Review status: criteria provided, single submitter. Criteria: GeneDx Variant Classification Process June 2021. Collection method: clinical testing. Allele origin: germline. Affected: yes.
Comment: Identified in patients with Usher syndrome in published literature (Dreyer et al., 2008; Baux et al., 2014; Malm et al., 2011; Dad et al., 2015); Nonsense variant predicted to result in protein truncation or nonsense mediated decay in a gene for which loss-of-function is a known mechanism of disease; Not observed at a significant frequency in large population cohorts (Lek et al., 2016); This variant is associated with the following publications: (PMID: 21569298, 18273898, 25525159, 24944099, 21174530, 25804404)

Revvity Omics, Revvity
Classification: Pathogenic. Last evaluated: 2021-03-09. Review status: criteria provided, single submitter. Criteria: ACMG Guidelines, 2015. Collection method: clinical testing. Allele origin: germline.

Literature cited by the submitters: PubMed 10729113 (cited by Labcorp Genetics (formerly Invitae), Labcorp); PubMed 10909849 (cited by Labcorp Genetics (formerly Invitae), Labcorp); PubMed 20507924 (cited by Labcorp Genetics (formerly Invitae), Labcorp); PubMed 25649381 (cited by Labcorp Genetics (formerly Invitae), Labcorp); PubMed 18273898 (cited by Labcorp Genetics (formerly Invitae), Labcorp); PubMed 21569298 (cited by Labcorp Genetics (formerly Invitae), Labcorp); PubMed 27957503 (cited by Natera, Inc.).